The following is an entry in ClinVar:

NM_001110556.2(FLNA):c.2235C>T (p.Ala745=)

Gene: FLNA (filamin A; minus strand). Cytogenetic location: Xq28.
Variant type: single nucleotide variant.
Coding change: c.2235C>T on transcript NM_001110556.2 (MANE Select); coding-DNA position 2235, C replaced by T.
Protein change: p.Ala745=; no amino-acid change (alanine 745 retained).
Molecular consequence: synonymous variant.
Genome position (GRCh38, 1-based): chrX:154,364,067, G>A on the plus strand (C>T on the coding strand, the complement: FLNA is on the minus strand). VCF-style: chrX-154364067-G-A. GRCh37 (hg19) VCF-style: chrX-153592435-G-A.
Other names: c.2235C>T (NM_001110556.1); c.2235C>T, p.Ala745= (NM_001456.4).
Identifiers: ClinVar variation 1535862 (VCV001535862.11), dbSNP rs371023320, ClinGen allele CA10560986.

ClinVar aggregate classification (germline): Likely benign. Review status: criteria provided, multiple submitters, no conflicts (2 of 4 stars). 3 submissions from 3 submitters: Likely benign (2). 1 of the submissions does not count toward it. Last evaluated 2025-03-22.

Conditions:
Heterotopia, periventricular, X-linked dominant (PVNH1). Also called: PERIVENTRICULAR NODULAR HETEROTOPIA 1; X-linked periventricular heterotopia; PERIVENTRICULAR NODULAR HETEROTOPIA 4; HETEROTOPIA, PERIVENTRICULAR, 1. Identifiers: Orphanet 2149, Orphanet 82004, MedGen C1848213, MONDO:0010233, OMIM 300049.
Melnick-Needles syndrome (MNS). Also called: Melnick-Needles Syndrome (FLNA-MNS); MELNICK-NEEDLES OSTEODYSPLASTY; OSTEODYSPLASTY OF MELNICK AND NEEDLES. Identifiers: Orphanet 2484, MedGen C0025237, MONDO:0010650, OMIM 309350.
Frontometaphyseal dysplasia (FMD1). Identifiers: Orphanet 1826, MedGen C0265293, MONDO:0015942.
Oto-palato-digital syndrome, type II (OPD2). Also called: Otopalatodigital Syndrome Type 2 (FLNA-OPD2); FACIOPALATOOSSEOUS SYNDROME; OPD II SYNDROME; Otopalatodigital Syndrome, Type II. Identifiers: Orphanet 669, Orphanet 90652, MedGen C1844696, MONDO:0010571, OMIM 304120.
FLNA-related disorder.

Allele frequency attached by ClinVar (database versions not stated): TOPMed below 0.00001; gnomAD 0.00001; gnomAD exomes 0.00002; ExAC 0.00003; ESP Exome Variant Server 0.00010.
gnomAD v4.1: 25 of 1,209,613 alleles (0.0021%); highest among the groups gnomAD compares: Non-Finnish European, 0.0028%; no homozygotes.

Submissions (3):

Labcorp Genetics (formerly Invitae), Labcorp
Classification: Likely benign for Oto-palato-digital syndrome, type II; Heterotopia, periventricular, X-linked dominant; Frontometaphyseal dysplasia; Melnick-Needles syndrome. Last evaluated: 2025-03-22. Review status: criteria provided, single submitter. Criteria: Invitae Variant Classification Sherloc (09022015). Collection method: clinical testing. Allele origin: germline.

Women's Health and Genetics/Laboratory Corporation of America, LabCorp
Classification: Likely benign. Last evaluated: 2024-10-06. Review status: criteria provided, single submitter. Criteria: LabCorp Variant Classification Summary - May 2015. Collection method: clinical testing. Allele origin: germline.

PreventionGenetics, part of Exact Sciences
Classification: Likely benign for FLNA-related condition. Last evaluated: 2021-10-04. Review status: no assertion criteria provided. Collection method: clinical testing. Allele origin: germline. Not counted in ClinVar's aggregate classification.
Comment: This variant is classified as likely benign based on ACMG/AMP sequence variant interpretation guidelines (Richards et al. 2015 PMID: 25741868, with internal and published modifications).